The following is an entry in ClinVar:

NM_031229.4(RBCK1):c.1030-4G>A

Gene: RBCK1 (RANBP2-type and C3HC4-type zinc finger containing 1; plus strand). Cytogenetic location: 20p13.
Variant type: single nucleotide variant.
Coding change: c.1030-4G>A on transcript NM_031229.4 (MANE Select); 4 bases into the intron before coding-DNA position 1030, G replaced by A.
Molecular consequence: intron variant.
Genome position (GRCh38, 1-based): chr20:427,309, G>A. VCF-style: chr20-427309-G-A. GRCh37 (hg19) VCF-style: chr20-407953-G-A.
Other names: c.520-4G>A (NM_001323956.2, NM_001323958.2); c.904-4G>A (NM_006462.6).
Identifiers: ClinVar variation 788248 (VCV000788248.14), dbSNP rs149038161, ClinGen allele CA9723270.

ClinVar aggregate classification (germline): Likely benign. Review status: criteria provided, multiple submitters, no conflicts (2 of 4 stars). 3 submissions from 3 submitters: Likely benign (2). 1 of the submissions does not count toward it. Last evaluated 2025-12-03.

Conditions:
Polyglucosan body myopathy type 1 (PGBM1). Also called: Polyglucosan body myopathy 1 with or without immunodeficiency; POLYGLUCOSAN BODY MYOPATHY WITHOUT IMMUNODEFICIENCY. Identifiers: Orphanet 329173, Orphanet 397937, MedGen C4014605, MONDO:0014389, OMIM 615895.
RBCK1-related disorder. Also called: RBCK1-related condition.

Allele frequency attached by ClinVar (database versions not stated): gnomAD exomes 0.00002 and 0.00010; gnomAD 0.00052 and 0.00056; 1000 Genomes Project 0.00060; TOPMed 0.00061; ExAC 0.00012; ESP Exome Variant Server 0.00023; 1000 Genomes Project 30x 0.00047.
gnomAD v4.1: 117 of 1,613,678 alleles (0.0073%); highest among the groups gnomAD compares: African/African-American, 0.13%; no homozygotes.

Submissions (3):

Labcorp Genetics (formerly Invitae), Labcorp
Classification: Likely benign for Polyglucosan body myopathy type 1. Last evaluated: 2025-12-03. Review status: criteria provided, single submitter. Criteria: Invitae Variant Classification Sherloc (09022015). Collection method: clinical testing. Allele origin: germline.

Blueprint Genetics
Classification: Likely benign. Last evaluated: 2024-08-28. Review status: criteria provided, single submitter. Criteria: ACMG Guidelines, 2015. Collection method: clinical testing. Allele origin: germline.

PreventionGenetics, part of Exact Sciences
Classification: Likely benign for RBCK1-related condition. Last evaluated: 2019-08-14. Review status: no assertion criteria provided. Collection method: clinical testing. Allele origin: germline. Not counted in ClinVar's aggregate classification.
Comment: This variant is classified as likely benign based on ACMG/AMP sequence variant interpretation guidelines (Richards et al. 2015 PMID: 25741868, with internal and published modifications).